The following is an entry in ClinVar:

NM_024577.4(SH3TC2):c.*12189C>T

Gene: SH3TC2 (SH3 domain and tetratricopeptide repeats 2; minus strand). Cytogenetic location: 5q32.
Variant type: single nucleotide variant.
Coding change: c.*12189C>T on transcript NM_024577.4 (MANE Select); 12189 bases downstream of the stop codon, C replaced by T.
Molecular consequence: 3 prime UTR variant.
Genome position (GRCh38, 1-based): chr5:148,992,522, G>A on the plus strand (C>T on the coding strand, the complement: SH3TC2 is on the minus strand). VCF-style: chr5-148992522-G-A. GRCh37 (hg19) VCF-style: chr5-148372085-G-A.
Identifiers: ClinVar variation 907316 (VCV000907316.4), dbSNP rs192729911, ClinGen allele CA128988133.

ClinVar aggregate classification (germline): Likely benign. Review status: criteria provided, single submitter (1 of 4 stars). 2 submissions from 1 submitter: Likely benign (2). Last evaluated 2018-01-13.

Conditions:
Susceptibility to mononeuropathy of the median nerve, mild. Also called: CARPAL TUNNEL SYNDROME, SUSCEPTIBILITY TO. Identifiers: MedGen C3150596, MONDO:0013237, OMIM 613353.
Charcot-Marie-Tooth disease type 4C (CMT4C). Also called: CMT 4C; SH3TC2-Related Hereditary Motor and Sensory Neuropathy; Charcot-Marie-Tooth Neuropathy Type 4C (CMT4C); CHARCOT-MARIE-TOOTH DISEASE, DEMYELINATING, TYPE 4C; CHARCOT-MARIE-TOOTH DISEASE, DEMYELINATING, AUTOSOMAL RECESSIVE, TYPE 4C. Identifiers: Orphanet 99949, MedGen C1866636, MONDO:0011113, OMIM 601596.

Allele frequency attached by ClinVar (database versions not stated): TOPMed 0.00014; gnomAD 0.00017 and 0.00018; 1000 Genomes Project 0.00060; 1000 Genomes Project 30x 0.00109.
gnomAD v4.1: 29 of 151,154 alleles (0.019%); highest among the groups gnomAD compares: East Asian, 0.27%; no homozygotes.

Submissions (2):

Illumina Laboratory Services, Illumina
Classification: Likely benign for Susceptibility to mononeuropathy of the median nerve, mild. Last evaluated: 2018-01-13. Review status: criteria provided, single submitter. Criteria: ICSL Variant Classification Criteria 13 December 2019. Collection method: clinical testing. Allele origin: germline.
Comment: This variant was observed in the ICSL laboratory as part of a predisposition screen in an ostensibly healthy population. It had not been previously curated by ICSL or reported in the Human Gene Mutation Database (HGMD: prior to June 1st, 2018), and was therefore a candidate for classification through an automated scoring system. Utilizing variant allele frequency, disease prevalence and penetrance estimates, and inheritance mode, an automated score was calculated to assess if this variant is too frequent to cause the disease. Based on the score and internal cut-off values, a variant classified as likely benign is not then subjected to further curation. The score for this variant resulted in a classification of likely benign for this disease.

Illumina Laboratory Services, Illumina
Classification: Likely benign for Charcot-Marie-Tooth disease type 4C. Last evaluated: 2018-01-13. Review status: criteria provided, single submitter. Criteria: ICSL Variant Classification Criteria 13 December 2019. Collection method: clinical testing. Allele origin: germline.
Comment: the same text as in the submission from Illumina Laboratory Services, Illumina above.